The following is an entry in ClinVar:

ClinVar aggregate classification (germline): Benign. Review status: criteria provided, multiple submitters, no conflicts (2 of 4 stars). 6 submissions from 6 submitters: Benign (6). Last evaluated 2026-02-04.

Conditions:
Muscular dystrophy-dystroglycanopathy (congenital with brain and eye anomalies), type a, 11 (MDDGA11). Also called: Congenital muscular dystrophy-dystroglycanopathy with brain and eye anomalies, type A11; WALKER-WARBURG SYNDROME OR MUSCLE-EYE-BRAIN DISEASE, B3GALNT2-RELATED; Muscular dystrophy-dystroglycanopathy (congenital with brain and eye anomalies, type A, 11. Identifiers: Orphanet 588, Orphanet 899, MedGen C3554638, MONDO:0014071, OMIM 615181.

Allele frequency attached by ClinVar (database versions not stated): gnomAD exomes 0.52812; gnomAD 0.53906 and 0.55158; TOPMed 0.56366; 1000 Genomes Project 30x 0.67005.

Submissions (6):

Labcorp Genetics (formerly Invitae), Labcorp
Classification: Benign for Muscular dystrophy-dystroglycanopathy (congenital with brain and eye anomalies), type a, 11. Last evaluated: 2026-02-04. Review status: criteria provided, single submitter. Criteria: Invitae Variant Classification Sherloc (09022015). Collection method: clinical testing. Allele origin: germline.

Blueprint Genetics
Classification: Benign. Last evaluated: 2024-11-26. Review status: criteria provided, single submitter. Criteria: ACMG Guidelines, 2015. Collection method: clinical testing. Allele origin: germline.

Genome-Nilou Lab
Classification: Benign for Muscular dystrophy-dystroglycanopathy (congenital with brain and eye anomalies), type a, 11. Last evaluated: 2021-07-14. Review status: criteria provided, single submitter. Criteria: ACMG Guidelines, 2015. Collection method: clinical testing. Allele origin: germline. Affected: no.

GeneDx
Classification: Benign. Last evaluated: 2017-11-03. Review status: criteria provided, single submitter. Criteria: GeneDx Variant Classification (06012015). Collection method: clinical testing. Allele origin: germline. Affected: yes.
Comment: This variant is considered likely benign or benign based on one or more of the following criteria: it is a conservative change, it occurs at a poorly conserved position in the protein, it is predicted to be benign by multiple in silico algorithms, and/or has population frequency not consistent with disease.

Breakthrough Genomics
Classification: Benign. Review status: criteria provided, single submitter. Criteria: ACMG Guidelines, 2015. Collection method: not provided. Allele origin: germline. Inheritance: Autosomal recessive inheritance. Affected: yes.

PreventionGenetics, part of Exact Sciences
Classification: Benign. Review status: criteria provided, single submitter. Criteria: ACMG Guidelines, 2015. Collection method: clinical testing. Allele origin: germline.

NM_152490.5(B3GALNT2):c.321= (p.Glu107=)

Gene: B3GALNT2 (beta-1,3-N-acetylgalactosaminyltransferase 2; minus strand). Cytogenetic location: 1q42.3.
Variant type: single nucleotide variant.
Coding change: c.321= on transcript NM_152490.5 (MANE Select); coding-DNA position 321, no change from the reference sequence.
Protein change: p.Glu107=; no amino-acid change (glutamic acid 107 retained).
Molecular consequence: no sequence alteration.
Genome position: GRCh38 VCF-style: chr1-235489208-C-C. GRCh37 (hg19) VCF-style: chr1-235652513-T-C.
Other names: c.444=, p.Glu148= (NM_001277155.3).
Identifiers: ClinVar variation 262651 (VCV000262651.14), dbSNP rs291396.
Genomic context (GRCh38, chr1:235,489,208, plus strand): 5'-CAAGGGAAAAGATGACTTACCTGGATTTGTGATGTTGAGTAGTTTACAGGAATAAGGATC[C=]TCCCTGTCTTCCACAGGCACTTCACAGCCATGAGCACCTATTATGAACTTCACAAGCACA-3'
Protein context (NP_689703.1, residues 97-117): HGCEVPVEDR[Glu107=]DPYSCKLLNI